The following is an entry in ClinVar:

NM_000018.4(ACADVL):c.1045G>C (p.Ala349Pro)

Gene: ACADVL (acyl-CoA dehydrogenase very long chain; plus strand). Cytogenetic location: 17p13.1.
Variant type: single nucleotide variant.
Coding change: c.1045G>C on transcript NM_000018.4 (MANE Select); coding-DNA position 1045, G replaced by C.
Protein change: p.Ala349Pro; replaces alanine 349 with proline.
Molecular consequence: missense variant.
Genome position (GRCh38, 1-based): chr17:7,222,833, G>C. VCF-style: chr17-7222833-G-C. GRCh37 (hg19) VCF-style: chr17-7126152-G-C.
Other names: c.979G>C, p.Ala327Pro (NM_001033859.3); c.1114G>C, p.Ala372Pro (NM_001270447.2); c.817G>C, p.Ala273Pro (NM_001270448.2); short protein forms A372P, A273P, A327P, A349P.
Identifiers: ClinVar variation 1037718 (VCV001037718.8), dbSNP rs1567565733, ClinGen allele CA397724231.
Genomic context (GRCh38, chr17:7,222,833, plus strand): 5'-GGCTTCAAGGTTGCCATGCACATCCTCAACAATGGAAGGTTTGGCATGGCTGCGGCCCTG[G>C]CAGGTACCATGAGAGGCATCATTGCTAAGGCGGTGAGTACCCTGCCCGAGTCCCTAGGTA-3'
Protein context (NP_000009.1, residues 339-359): NGRFGMAAAL[Ala349Pro]GTMRGIIAKA

ClinVar aggregate classification (germline): Uncertain significance (1 of 4 stars; one submission).

Conditions:
Very long chain acyl-CoA dehydrogenase deficiency (ACADVLD). Also called: Very Long-Chain Acyl-Coenzyme A Dehydrogenase Deficiency; VLCAD Deficiency. Identifiers: Orphanet 26793, MedGen C3887523, MONDO:0008723, OMIM 201475.

Submission:

Labcorp Genetics (formerly Invitae), Labcorp
Classification: Uncertain significance for Very long chain acyl-CoA dehydrogenase deficiency. Last evaluated: 2024-05-22. Review status: criteria provided, single submitter. Criteria: Invitae Variant Classification Sherloc (09022015). Collection method: clinical testing. Allele origin: germline.
Comment: This sequence change replaces alanine, which is neutral and non-polar, with proline, which is neutral and non-polar, at codon 349 of the ACADVL protein (p.Ala349Pro). This variant is not present in population databases (gnomAD no frequency). This variant has not been reported in the literature in individuals affected with ACADVL-related conditions. ClinVar contains an entry for this variant (Variation ID: 1037718). Advanced modeling of protein sequence and biophysical properties (such as structural, functional, and spatial information, amino acid conservation, physicochemical variation, residue mobility, and thermodynamic stability) performed at Invitae indicates that this missense variant is expected to disrupt ACADVL protein function with a positive predictive value of 95%. In summary, the available evidence is currently insufficient to determine the role of this variant in disease. Therefore, it has been classified as a Variant of Uncertain Significance.